The following is an entry in ClinVar:

ClinVar aggregate classification (germline): Pathogenic/Likely pathogenic. Review status: criteria provided, multiple submitters, no conflicts (2 of 4 stars). 6 submissions from 6 submitters: Pathogenic (1); Likely pathogenic (5). Last evaluated 2025-10-19.

Conditions:
Encephalopathy due to GLUT1 deficiency. Also called: GLUCOSE TRANSPORT DEFECT, BLOOD-BRAIN BARRIER; Classic Glucose Transporter Type 1 Deficiency Syndrome; De Vivo disease; GLUT1 deficiency syndrome 1; Glucose transporter protein syndrome; GLUT1 deficiency syndrome 1, infantile onset, severe. Identifiers: Orphanet 71277, MedGen C4551966, MONDO:0011724, OMIM 606777.
GLUT1 deficiency syndrome 1, autosomal recessive. Identifiers: MedGen C3149117.
Paroxysmal dystonia. Identifiers: Orphanet 200037, MedGen C0393588, MONDO:0016058, HP:0002268.

Submissions (6):

Dasa
Classification: Likely pathogenic for Encephalopathy due to GLUT1 deficiency. Last evaluated: 2025-10-19. Review status: criteria provided, single submitter. Criteria: DASA Assertion Criteria. Collection method: clinical testing. Allele origin: germline.
Comment: NM_006516.4(SLC2A1):c.400G>A (p.Gly134Ser) is a missense variant that results in the substitution of glycine with serine. The affected residue or protein region has prior evidence supporting clinical relevance. This variant has been recurrently observed in individuals with SLC2A1-related disorders (PMID: 29303961; PMID: 31605543; PMID: 16172126). Also, this variant is absent from population databases. Computational evidence supports a deleterious effect. Based on the currently available evidence, this variant is classified as likely pathogenic.

Labcorp Genetics (formerly Invitae), Labcorp
Classification: Pathogenic for GLUT1 deficiency syndrome 1, autosomal recessive. Last evaluated: 2025-08-29. Review status: criteria provided, single submitter. Criteria: Invitae Variant Classification Sherloc (09022015). Collection method: clinical testing. Allele origin: germline.
Comment: This sequence change replaces glycine, which is neutral and non-polar, with serine, which is neutral and polar, at codon 134 of the SLC2A1 protein (p.Gly134Ser). This variant is not present in population databases (gnomAD no frequency). This missense change has been observed in individual(s) with glucose transporter deficiency syndrome type I (GLUT1) (internal data). In at least one individual the variant was observed to be de novo. ClinVar contains an entry for this variant (Variation ID: 374181). Invitae Evidence Modeling of protein sequence and biophysical properties (such as structural, functional, and spatial information, amino acid conservation, physicochemical variation, residue mobility, and thermodynamic stability) indicates that this missense variant is expected to disrupt SLC2A1 protein function with a positive predictive value of 95%. For these reasons, this variant has been classified as Pathogenic.

GeneDx
Classification: Likely pathogenic. Last evaluated: 2023-11-01. Review status: criteria provided, single submitter. Criteria: GeneDx Variant Classification Process June 2021. Collection method: clinical testing. Allele origin: germline. Affected: yes.
Comment: Not observed at significant frequency in large population cohorts (gnomAD); In silico analysis supports that this missense variant has a deleterious effect on protein structure/function; This variant is associated with the following publications: (PMID: 34992632, 29303961, 29655203, Lukyanova2017[article])

Genome-Nilou Lab
Classification: Likely pathogenic for Encephalopathy due to GLUT1 deficiency. Last evaluated: 2023-04-11. Review status: criteria provided, single submitter. Criteria: ACMG Guidelines, 2015. Collection method: clinical testing. Allele origin: germline. Affected: no.

Institute for Clinical Genetics, University Hospital TU Dresden, University Hospital TU Dresden
Classification: Likely pathogenic. Last evaluated: 2022-03-15. Review status: criteria provided, single submitter. Criteria: ACMG Guidelines, 2015. Collection method: clinical testing. Allele origin: germline.
Comment: PM1, PM2_SUP, PM5_SUP

Centre for Mendelian Genomics, University Medical Centre Ljubljana
Classification: Likely pathogenic for Paroxysmal dystonia. Last evaluated: 2014-01-07. Review status: criteria provided, single submitter. Criteria: ACMG Guidelines, 2015. Collection method: clinical testing. Allele origin: unknown. Affected: yes.

Literature cited by the submitters: PubMed 29303961 (cited by Dasa); PubMed 31605543 (cited by Dasa); PubMed 16172126 (cited by Dasa).

NM_006516.4(SLC2A1):c.400G>A (p.Gly134Ser)

Gene: SLC2A1 (solute carrier family 2 member 1; minus strand). Cytogenetic location: 1p34.2.
Variant type: single nucleotide variant.
Coding change: c.400G>A on transcript NM_006516.4 (MANE Select); coding-DNA position 400, G replaced by A.
Protein change: p.Gly134Ser; replaces glycine 134 with serine.
Molecular consequence: missense variant.
Genome position (GRCh38, 1-based): chr1:42,930,742, C>T on the plus strand (G>A on the coding strand, the complement: SLC2A1 is on the minus strand). VCF-style: chr1-42930742-C-T. GRCh37 (hg19) VCF-style: chr1-43396413-C-T.
Other names: short protein forms G134S.
Identifiers: ClinVar variation 374181 (VCV000374181.16), dbSNP rs1057518953, ClinGen allele CA16043369.